The following is an entry in ClinVar:

NM_001844.5(COL2A1):c.1739C>T (p.Ala580Val)

Gene: COL2A1 (collagen type II alpha 1 chain; minus strand). Cytogenetic location: 12q13.11.
Variant type: single nucleotide variant.
Coding change: c.1739C>T on transcript NM_001844.5 (MANE Select); coding-DNA position 1739, C replaced by T.
Protein change: p.Ala580Val; replaces alanine 580 with valine.
Molecular consequence: missense variant.
Genome position (GRCh38, 1-based): chr12:47,985,089, G>A on the plus strand (C>T on the coding strand, the complement: COL2A1 is on the minus strand). VCF-style: chr12-47985089-G-A. GRCh37 (hg19) VCF-style: chr12-48378872-G-A.
Other names: c.1532C>T, p.Ala511Val (NM_033150.3); short protein forms A511V, A580V.
Identifiers: ClinVar variation 3613164 (VCV003613164.2).

ClinVar aggregate classification (germline): Uncertain significance (1 of 4 stars; one submission).

gnomAD v4.1: 1 of 1,612,416 alleles (0.000062%); highest among the groups gnomAD compares: East Asian, 0.0022%; no homozygotes.

Submission:

Labcorp Genetics (formerly Invitae), Labcorp
Classification: Uncertain significance. Last evaluated: 2024-10-17. Review status: criteria provided, single submitter. Criteria: Invitae Variant Classification Sherloc (09022015). Collection method: clinical testing. Allele origin: germline.
Comment: This sequence change replaces alanine, which is neutral and non-polar, with valine, which is neutral and non-polar, at codon 580 of the COL2A1 protein (p.Ala580Val). This variant is not present in population databases (gnomAD no frequency). This variant has not been reported in the literature in individuals affected with COL2A1-related conditions. Invitae Evidence Modeling of protein sequence and biophysical properties (such as structural, functional, and spatial information, amino acid conservation, physicochemical variation, residue mobility, and thermodynamic stability) indicates that this missense variant is not expected to disrupt COL2A1 protein function with a negative predictive value of 95%. In summary, the available evidence is currently insufficient to determine the role of this variant in disease. Therefore, it has been classified as a Variant of Uncertain Significance.